The following is an entry in ClinVar:

NM_053013.4(ENO3):c.78G>A (p.Thr26=)

Gene: ENO3 (enolase 3; plus strand). Cytogenetic location: 17p13.2.
Variant type: single nucleotide variant.
Coding change: c.78G>A on transcript NM_053013.4 (MANE Select); coding-DNA position 78, G replaced by A.
Protein change: p.Thr26=; no amino-acid change (threonine 26 retained).
Molecular consequence: synonymous variant.
Genome position (GRCh38, 1-based): chr17:4,951,907, G>A. VCF-style: chr17-4951907-G-A. GRCh37 (hg19) VCF-style: chr17-4855202-G-A.
Other names: c.78G>A, p.Thr26= (NM_001193503.2, NM_001976.5).
Identifiers: ClinVar variation 387136 (VCV000387136.5), dbSNP rs758704680, ClinGen allele CA8316082.

ClinVar aggregate classification (germline): Likely benign. Review status: criteria provided, multiple submitters, no conflicts (2 of 4 stars). 2 submissions from 2 submitters: Likely benign (2). Last evaluated 2025-11-22.

Conditions:
Glycogen storage disease due to muscle beta-enolase deficiency (GSD13). Also called: ENOLASE 3 DEFICIENCY; ENOLASE-BETA DEFICIENCY; GSD XIII; Glycogen Storage Disease Type XIII. Identifiers: Orphanet 99849, MedGen C2752027, MONDO:0013046, OMIM 612932.

Allele frequency attached by ClinVar (database versions not stated): TOPMed 0.00002; ExAC 0.00003.
gnomAD v4.1: 49 of 1,613,964 alleles (0.003%); highest among the groups gnomAD compares: South Asian, 0.0066%; no homozygotes.

Submissions (2):

Labcorp Genetics (formerly Invitae), Labcorp
Classification: Likely benign for Glycogen storage disease due to muscle beta-enolase deficiency. Last evaluated: 2025-11-22. Review status: criteria provided, single submitter. Criteria: Invitae Variant Classification Sherloc (09022015). Collection method: clinical testing. Allele origin: germline.

GeneDx
Classification: Likely benign. Last evaluated: 2016-07-01. Review status: criteria provided, single submitter. Criteria: GeneDx Variant Classification (06012015). Collection method: clinical testing. Allele origin: germline. Affected: yes.
Comment: This variant is considered likely benign or benign based on one or more of the following criteria: it is a conservative change, it occurs at a poorly conserved position in the protein, it is predicted to be benign by multiple in silico algorithms, and/or has population frequency not consistent with disease.